The following is an entry in ClinVar:

NM_000535.7(PMS2):c.2475C>A (p.Ser825Arg)

Gene: PMS2 (PMS1 homolog 2, mismatch repair system component; minus strand). Cytogenetic location: 7p22.1.
Variant type: single nucleotide variant.
Coding change: c.2475C>A on transcript NM_000535.7 (MANE Select); coding-DNA position 2475, C replaced by A.
Protein change: p.Ser825Arg; replaces serine 825 with arginine.
Molecular consequence: missense variant. On other transcripts: non-coding transcript variant (1).
Genome position (GRCh38, 1-based): chr7:5,973,513, G>T on the plus strand (C>A on the coding strand, the complement: PMS2 is on the minus strand). VCF-style: chr7-5973513-G-T. GRCh37 (hg19) VCF-style: chr7-6013144-G-T.
Other names: c.2070C>A, p.Ser690Arg (NM_001018040.1, NM_001322003.2, NM_001322004.2 and 12 more transcripts); c.2319C>A, p.Ser773Arg (NM_001322006.2); c.2157C>A, p.Ser719Arg (NM_001322007.2, NM_001322008.2, NM_001406883.1); c.2103C>A, p.Ser701Arg (NM_001322009.2, NM_001406887.1, NM_001406888.1); c.1914C>A, p.Ser638Arg (NM_001322010.2, NM_001406906.1, NM_001406907.1); c.1542C>A, p.Ser514Arg (NM_001322011.2, NM_001322012.2); c.1902C>A, p.Ser634Arg (NM_001322013.2, NM_001406908.1, NM_001406909.1); c.2508C>A, p.Ser836Arg (NM_001322014.2); and 20 more; short protein forms S638R, S663R, S690R, S722R, S825R, S887R, S568R, S634R.
Identifiers: ClinVar variation 1791829 (VCV001791829.2), dbSNP rs776460258, ClinGen allele CA366734984.

ClinVar aggregate classification (germline): Uncertain significance (1 of 4 stars; one submission).

Conditions:
Hereditary cancer-predisposing syndrome. Also called: Hereditary Cancer Syndrome; Hereditary neoplastic syndrome; Tumor predisposition; Neoplastic Syndromes, Hereditary. Identifiers: Orphanet 140162, MedGen C0027672, MeSH D009386, MONDO:0015356.

Submission:

Ambry Genetics
Classification: Uncertain significance for Hereditary cancer-predisposing syndrome. Last evaluated: 2022-05-04. Review status: criteria provided, single submitter. Criteria: Ambry Variant Classification Scheme 2023. Collection method: clinical testing. Allele origin: germline.
Comment: The p.S825R variant (also known as c.2475C>A), located in coding exon 15 of the PMS2 gene, results from a C to A substitution at nucleotide position 2475. The serine at codon 825 is replaced by arginine, an amino acid with dissimilar properties. This amino acid position is conserved. In addition, this alteration is predicted to be tolerated by in silico analysis. Since supporting evidence is limited at this time, the clinical significance of this alteration remains unclear.